The following is an entry in ClinVar:

NM_000361.3(THBD):c.59C>A (p.Pro20His)

Gene: THBD (thrombomodulin; minus strand). Cytogenetic location: 20p11.21.
Variant type: single nucleotide variant.
Coding change: c.59C>A on transcript NM_000361.3 (MANE Select); coding-DNA position 59, C replaced by A.
Protein change: p.Pro20His; replaces proline 20 with histidine.
Molecular consequence: missense variant.
Genome position (GRCh38, 1-based): chr20:23,049,446, G>T on the plus strand (C>A on the coding strand, the complement: THBD is on the minus strand). VCF-style: chr20-23049446-G-T. GRCh37 (hg19) VCF-style: chr20-23030083-G-T.
Other names: short protein forms P20H.
Identifiers: ClinVar variation 1982254 (VCV001982254.5), dbSNP rs369921060, ClinGen allele CA9787806.

ClinVar aggregate classification (germline): Uncertain significance. Review status: criteria provided, multiple submitters, no conflicts (2 of 4 stars). 2 submissions from 2 submitters: Uncertain significance (2). Last evaluated 2025-06-04.

Conditions:
Atypical hemolytic-uremic syndrome with thrombomodulin anomaly. Also called: HEMOLYTIC UREMIC SYNDROME, ATYPICAL, SUSCEPTIBILITY TO, 6; AHUS, SUSCEPTIBILITY TO, 6. Identifiers: MedGen C2752036, MONDO:0013044, OMIM 612926. Disease mechanism: gain of function.
Thrombomodulin-related bleeding disorder (THPH12). Also called: Thrombophilia due to thrombomodulin defect. Identifiers: Orphanet 436169, MedGen C3280976, MONDO:0013775, OMIM 614486.

Allele frequency attached by ClinVar (database versions not stated): gnomAD exomes 0.00003; ExAC 0.00005; ESP Exome Variant Server 0.00008.

Submissions (2):

Labcorp Genetics (formerly Invitae), Labcorp
Classification: Uncertain significance. Last evaluated: 2025-06-04. Review status: criteria provided, single submitter. Criteria: Invitae Variant Classification Sherloc (09022015). Collection method: clinical testing. Allele origin: germline.
Comment: This sequence change replaces proline, which is neutral and non-polar, with histidine, which is basic and polar, at codon 20 of the THBD protein (p.Pro20His). The frequency data for this variant in the population databases is considered unreliable, as metrics indicate poor data quality at this position in the gnomAD database. This variant has not been reported in the literature in individuals affected with THBD-related conditions. ClinVar contains an entry for this variant (Variation ID: 1982254). Invitae Evidence Modeling of protein sequence and biophysical properties (such as structural, functional, and spatial information, amino acid conservation, physicochemical variation, residue mobility, and thermodynamic stability) indicates that this missense variant is not expected to disrupt THBD protein function with a negative predictive value of 80%. In summary, the available evidence is currently insufficient to determine the role of this variant in disease. Therefore, it has been classified as a Variant of Uncertain Significance.

Fulgent Genetics
Classification: Uncertain significance for Atypical hemolytic-uremic syndrome with thrombomodulin anomaly; Thrombomodulin-related bleeding disorder. Last evaluated: 2024-02-13. Review status: criteria provided, single submitter. Criteria: ACMG Guidelines, 2015. Collection method: clinical testing. Allele origin: germline.